The following is an entry in ClinVar:

NM_001004334.4(GPR179):c.5547G>T (p.Lys1849Asn)

Gene: GPR179 (G protein-coupled receptor 179; minus strand). Cytogenetic location: 17q12.
Variant type: single nucleotide variant.
Coding change: c.5547G>T on transcript NM_001004334.4 (MANE Select); coding-DNA position 5547, G replaced by T.
Protein change: p.Lys1849Asn; replaces lysine 1849 with asparagine.
Molecular consequence: missense variant.
Genome position (GRCh38, 1-based): chr17:38,328,022, C>A on the plus strand (G>T on the coding strand, the complement: GPR179 is on the minus strand). VCF-style: chr17-38328022-C-A. GRCh37 (hg19) VCF-style: chr17-36483905-C-A.
Other names: short protein forms K1849N.
Identifiers: ClinVar variation 1423989 (VCV001423989.6), dbSNP rs563674113, ClinGen allele CA290103490.

ClinVar aggregate classification (germline): Uncertain significance (1 of 4 stars; one submission).

Allele frequency attached by ClinVar (database versions not stated): TOPMed below 0.00001; 1000 Genomes Project 30x 0.00031; gnomAD 0.00001; 1000 Genomes Project 0.00020.
gnomAD v4.1: 3 of 1,614,150 alleles (0.00019%); highest among the groups gnomAD compares: East Asian, 0.0067%; no homozygotes.

Submission:

Labcorp Genetics (formerly Invitae), Labcorp
Classification: Uncertain significance. Last evaluated: 2021-04-24. Review status: criteria provided, single submitter. Criteria: Invitae Variant Classification Sherloc (09022015). Collection method: clinical testing. Allele origin: germline.
Comment: In summary, the available evidence is currently insufficient to determine the role of this variant in disease. Therefore, it has been classified as a Variant of Uncertain Significance. Algorithms developed to predict the effect of missense changes on protein structure and function are either unavailable or do not agree on the potential impact of this missense change (SIFT: "Deleterious"; PolyPhen-2: "Possibly Damaging"; Align-GVGD: "Class C0"). This variant has not been reported in the literature in individuals with GPR179-related conditions. This variant is present in population databases (rs563674113, ExAC 0.02%). This sequence change replaces lysine with asparagine at codon 1849 of the GPR179 protein (p.Lys1849Asn). The lysine residue is weakly conserved and there is a moderate physicochemical difference between lysine and asparagine.